The following is an entry in ClinVar:

ClinVar aggregate classification (germline): Uncertain significance (1 of 4 stars; one submission).

Submission:

GeneDx
Classification: Uncertain significance. Last evaluated: 2024-08-16. Review status: criteria provided, single submitter. Criteria: GeneDx Variant Classification Process June 2021. Collection method: clinical testing. Allele origin: germline. Affected: yes.
Comment: Not observed at significant frequency in large population cohorts (gnomAD); In silico analysis supports that this missense variant does not alter protein structure/function; Has not been previously published as pathogenic or benign to our knowledge; This substitution is predicted to be within the cytoplasmic loop between the first and second homologous domains

NM_001165963.4(SCN1A):c.2150C>T (p.Ala717Val)

Gene: SCN1A (sodium voltage-gated channel alpha subunit 1; minus strand). Cytogenetic location: 2q24.3.
Variant type: single nucleotide variant.
Coding change: c.2150C>T on transcript NM_001165963.4 (MANE Select); coding-DNA position 2150, C replaced by T.
Protein change: p.Ala717Val; replaces alanine 717 with valine.
Molecular consequence: missense variant. On other transcripts: 5 prime UTR variant (1), non-coding transcript variant (1).
Genome position (GRCh38, 1-based): chr2:166,042,318, G>A on the plus strand (C>T on the coding strand, the complement: SCN1A is on the minus strand). VCF-style: chr2-166042318-G-A. GRCh37 (hg19) VCF-style: chr2-166898828-G-A.
Other names: c.2066C>T, p.Ala689Val (NM_001165964.3, NM_001353957.2, NM_001353958.2); c.2150C>T, p.Ala717Val (NM_001202435.3, NM_001353948.2); c.2117C>T, p.Ala706Val (NM_001353949.2, NM_001353950.2, NM_001353951.2 and 2 more transcripts); c.2114C>T, p.Ala705Val (NM_001353954.2, NM_001353955.2); c.2063C>T, p.Ala688Val (NM_001353960.2); c.-309C>T (NM_001353961.2); short protein forms A705V, A688V, A689V, A717V, A706V.
Identifiers: ClinVar variation 3730874 (VCV003730874.1).